The following is an entry in ClinVar:

NM_080680.3(COL11A2):c.1127A>G (p.His376Arg)

Gene: COL11A2 (collagen type XI alpha 2 chain; minus strand). Cytogenetic location: 6p21.32.
Variant type: single nucleotide variant.
Coding change: c.1127A>G on transcript NM_080680.3 (MANE Select); coding-DNA position 1127, A replaced by G.
Protein change: p.His376Arg; replaces histidine 376 with arginine.
Molecular consequence: missense variant.
Genome position (GRCh38, 1-based): chr6:33,181,163, T>C on the plus strand (A>G on the coding strand, the complement: COL11A2 is on the minus strand). VCF-style: chr6-33181163-T-C. GRCh37 (hg19) VCF-style: chr6-33148940-T-C.
Other names: c.806A>G, p.His269Arg (NM_080679.3); c.869A>G, p.His290Arg (NM_080681.3); c.1127A>G (NM_080680.2); short protein forms H290R, H376R, H269R.
Identifiers: ClinVar variation 1470207 (VCV001470207.7), dbSNP rs138186336, ClinGen allele CA3751458.

ClinVar aggregate classification (germline): Uncertain significance. Review status: criteria provided, multiple submitters, no conflicts (2 of 4 stars). 2 submissions from 2 submitters: Uncertain significance (2). Last evaluated 2026-02-01.

Allele frequency attached by ClinVar (database versions not stated): ExAC 0.00001; gnomAD 0.00001; TOPMed 0.00001; ESP Exome Variant Server 0.00008.
gnomAD v4.1: 10 of 1,614,046 alleles (0.00062%); highest among the groups gnomAD compares: Admixed American, 0.0017%; no homozygotes.

Submissions (2):

Labcorp Genetics (formerly Invitae), Labcorp
Classification: Uncertain significance. Last evaluated: 2026-02-01. Review status: criteria provided, single submitter. Criteria: Invitae Variant Classification Sherloc (09022015). Collection method: clinical testing. Allele origin: germline.
Comment: This sequence change replaces histidine, which is basic and polar, with arginine, which is basic and polar, at codon 376 of the COL11A2 protein (p.His376Arg). This variant is present in population databases (rs138186336, gnomAD 0.003%). This variant has not been reported in the literature in individuals affected with COL11A2-related conditions. ClinVar contains an entry for this variant (Variation ID: 1470207). Invitae Evidence Modeling of protein sequence and biophysical properties (such as structural, functional, and spatial information, amino acid conservation, physicochemical variation, residue mobility, and thermodynamic stability) indicates that this missense variant is not expected to disrupt COL11A2 protein function with a negative predictive value of 95%. In summary, the available evidence is currently insufficient to determine the role of this variant in disease. Therefore, it has been classified as a Variant of Uncertain Significance.

GeneDx
Classification: Uncertain significance. Last evaluated: 2025-02-19. Review status: criteria provided, single submitter. Criteria: GeneDx Variant Classification Process June 2021. Collection method: clinical testing. Allele origin: germline. Affected: yes.
Comment: Not observed at significant frequency in large population cohorts (gnomAD); In silico analysis indicates that this missense variant does not alter protein structure/function; Has not been previously published as pathogenic or benign to our knowledge